The following is an entry in ClinVar:

ClinVar aggregate classification (germline): Likely benign (1 of 4 stars; one submission).

gnomAD v4.1: 1 of 1,614,114 alleles (0.000062%); highest among the groups gnomAD compares: Non-Finnish European, 0.000085%; no homozygotes.

Submission:

GeneDx
Classification: Likely benign. Last evaluated: 2017-06-06. Review status: criteria provided, single submitter. Criteria: GeneDx Variant Classification (06012015). Collection method: clinical testing. Allele origin: germline. Affected: yes.
Comment: This variant is considered likely benign or benign based on one or more of the following criteria: it is a conservative change, it occurs at a poorly conserved position in the protein, it is predicted to be benign by multiple in silico algorithms, and/or has population frequency not consistent with disease.

NM_017827.4(SARS2):c.1209G>A (p.Lys403=)

Gene: SARS2 (seryl-tRNA synthetase 2, mitochondrial; minus strand). Cytogenetic location: 19q13.2.
Variant type: single nucleotide variant.
Coding change: c.1209G>A on transcript NM_017827.4 (MANE Select); coding-DNA position 1209, G replaced by A.
Protein change: p.Lys403=; no amino-acid change (lysine 403 retained).
Molecular consequence: synonymous variant.
Genome position (GRCh38, 1-based): chr19:38,916,266, C>T on the plus strand (G>A on the coding strand, the complement: SARS2 is on the minus strand). VCF-style: chr19-38916266-C-T. GRCh37 (hg19) VCF-style: chr19-39406906-C-T.
Other names: c.1215G>A, p.Lys405= (NM_001145901.2).
Identifiers: ClinVar variation 517882 (VCV000517882.1), dbSNP rs1391327979, ClinGen allele CA507510339.